The following is an entry in ClinVar:

ClinVar aggregate classification (germline): Benign (1 of 4 stars; one submission).

Allele frequency attached by ClinVar (database versions not stated): TOPMed 0.28442; 1000 Genomes Project 30x 0.36430; 1000 Genomes Project 0.37121.
gnomAD v4.1: 43,386 of 151,996 alleles (29%); highest among the groups gnomAD compares: East Asian, 58%; 6,602 homozygotes.

Submission:

GeneDx
Classification: Benign. Last evaluated: 2018-06-14. Review status: criteria provided, single submitter. Criteria: GeneDx Variant Classification (06012015). Collection method: clinical testing. Allele origin: germline. Affected: yes.
Comment: This variant is considered likely benign or benign based on one or more of the following criteria: it is a conservative change, it occurs at a poorly conserved position in the protein, it is predicted to be benign by multiple in silico algorithms, and/or has population frequency not consistent with disease.

NM_000126.4(ETFA):c.352-241G>A

Gene: ETFA (electron transfer flavoprotein subunit alpha; minus strand). Cytogenetic location: 15q24.2.
Variant type: single nucleotide variant.
Coding change: c.352-241G>A on transcript NM_000126.4 (MANE Select); 241 bases into the intron before coding-DNA position 352, G replaced by A.
Molecular consequence: intron variant.
Genome position (GRCh38, 1-based): chr15:76,288,186, C>T on the plus strand (G>A on the coding strand, the complement: ETFA is on the minus strand). VCF-style: chr15-76288186-C-T. GRCh37 (hg19) VCF-style: chr15-76580527-C-T.
Other names: c.205-241G>A (NM_001127716.2).
Identifiers: ClinVar variation 681672 (VCV000681672.1), dbSNP rs8039063, ClinGen allele CA273698121.
Genomic context (GRCh38, chr15:76,288,186, plus strand): 5'-GAGTACTTACCATTACTCTAACTACATTAAGAGTTTCATGAGTTTTACAGTATTAAGCCA[C>T]CTTAATGCAATATATTGAACTATGAGATATGAAATTTAATAAACATCAATTACCAAGTGT-3'